The following is an entry in ClinVar:

NM_014391.3(ANKRD1):c.28-3_28-2delinsAT

Gene: ANKRD1 (ankyrin repeat domain 1; minus strand). Cytogenetic location: 10q23.31.
Variant type: Indel.
Coding change: c.28-3_28-2delinsAT on transcript NM_014391.3 (MANE Select); 3 bases into the intron before coding-DNA position 28 through the canonical splice acceptor site of the intron before coding-DNA position 28, TA replaced by AT.
Molecular consequence: splice acceptor variant.
Genome position (GRCh38, 1-based): chr10:90,920,350-90,920,351, TA replaced by AT on the plus strand (TA replaced by AT on the coding strand, the reverse complement: ANKRD1 is on the minus strand). VCF-style: chr10-90920350-TA-AT. GRCh37 (hg19) VCF-style: chr10-92680107-TA-AT.
Identifiers: ClinVar variation 3866168 (VCV003866168.1).

ClinVar aggregate classification (germline): Uncertain significance (1 of 4 stars; one submission).

Conditions:
Cardiovascular phenotype. Identifiers: MedGen CN230736.

Submission:

Ambry Genetics
Classification: Uncertain significance for Cardiovascular phenotype. Last evaluated: 2025-02-06. Review status: criteria provided, single submitter. Criteria: Ambry Variant Classification Scheme 2023. Collection method: clinical testing. Allele origin: germline.
Comment: The c.28-3_28-2delTAinsAT variant results from a deletion of 2 nucleotides and insertion of 2 nucleotides at positions c.28-2 to c.28-3 and involves the canonical splice acceptor site before coding exon 2 of the ANKRD1 gene. The canonical splice acceptor site is highly conserved in available vertebrate species. In silico splice site analysis predicts that this alteration will weaken the native splice acceptor site. Alterations that disrupt the canonical splice site are expected to cause aberrant splicing, resulting in an abnormal protein or a transcript that is subject to nonsense-mediated mRNA decay. However, loss of function of ANKRD1 has not been established as a mechanism of disease. The evidence for this gene-disease relationship is limited; therefore, the clinical significance of this alteration is unclear.